The following is an entry in ClinVar:

NM_025114.4(CEP290):c.5181A>G (p.Val1727=)

Gene: CEP290 (centrosomal protein 290; minus strand). Cytogenetic location: 12q21.32.
Variant type: single nucleotide variant.
Coding change: c.5181A>G on transcript NM_025114.4 (MANE Select); coding-DNA position 5181, A replaced by G.
Protein change: p.Val1727=; no amino-acid change (valine 1727 retained).
Molecular consequence: synonymous variant.
Genome position (GRCh38, 1-based): chr12:88,080,227, T>C on the plus strand (A>G on the coding strand, the complement: CEP290 is on the minus strand). VCF-style: chr12-88080227-T-C. GRCh37 (hg19) VCF-style: chr12-88474004-T-C.
Identifiers: ClinVar variation 1551792 (VCV001551792.22), dbSNP rs1002651698, ClinGen allele CA481075387.

ClinVar aggregate classification (germline): Likely benign. Review status: criteria provided, multiple submitters, no conflicts (2 of 4 stars). 2 submissions from 2 submitters: Likely benign (2). Last evaluated 2024-09-01.

Conditions:
Nephronophthisis. Also called: Juvenile Nephronophthisis. Identifiers: Orphanet 655, MedGen C0687120, MONDO:0019005, HP:0000090.
Meckel-Gruber syndrome. Also called: DYSENCEPHALIA SPLANCHNOCYSTICA; GRUBER SYNDROME; Dysencephalia splachnocystica. Identifiers: Orphanet 564, MedGen C0265215, MONDO:0018921.
Joubert syndrome. Also called: Familial aplasia of the vermis; JOUBERT-BOLTSHAUSER SYNDROME. Identifiers: Orphanet 475, MedGen C5979921, MONDO:0018772.

Submissions (2):

CeGaT Center for Human Genetics Tuebingen
Classification: Likely benign. Last evaluated: 2024-09-01. Review status: criteria provided, single submitter. Criteria: CeGaT Center For Human Genetics Tuebingen Variant Classification Criteria Version 2. Collection method: clinical testing. Allele origin: germline. Affected: yes. Observed: 1 variant allele.
Comment: CEP290: PM2:Supporting, BP4, BP7

Labcorp Genetics (formerly Invitae), Labcorp
Classification: Likely benign for Joubert syndrome; Meckel-Gruber syndrome; Nephronophthisis. Last evaluated: 2023-03-16. Review status: criteria provided, single submitter. Criteria: Invitae Variant Classification Sherloc (09022015). Collection method: clinical testing. Allele origin: germline.